The following is an entry in ClinVar:

ClinVar aggregate classification (germline): Uncertain significance. Review status: criteria provided, multiple submitters, no conflicts (2 of 4 stars). 2 submissions from 2 submitters: Uncertain significance (2). Last evaluated 2021-08-24.

Conditions:
Very long chain acyl-CoA dehydrogenase deficiency (ACADVLD). Also called: VLCAD Deficiency; Very Long-Chain Acyl-Coenzyme A Dehydrogenase Deficiency. Identifiers: Orphanet 26793, MedGen C3887523, MONDO:0008723, OMIM 201475.

Submissions (2):

Labcorp Genetics (formerly Invitae), Labcorp
Classification: Uncertain significance for Very long chain acyl-CoA dehydrogenase deficiency. Last evaluated: 2021-08-24. Review status: criteria provided, single submitter. Criteria: Invitae Variant Classification Sherloc (09022015). Collection method: clinical testing. Allele origin: germline.
Comment: This sequence change replaces aspartic acid with histidine at codon 624 of the ACADVL protein (p.Asp624His). The aspartic acid residue is moderately conserved and there is a moderate physicochemical difference between aspartic acid and histidine. This variant is not present in population databases (ExAC no frequency). This variant has not been reported in the literature in individuals affected with ACADVL-related conditions. ClinVar contains an entry for this variant (Variation ID: 811151). Algorithms developed to predict the effect of missense changes on protein structure and function (SIFT, PolyPhen-2, Align-GVGD) all suggest that this variant is likely to be tolerated. In summary, the available evidence is currently insufficient to determine the role of this variant in disease. Therefore, it has been classified as a Variant of Uncertain Significance.

ARUP Laboratories, Molecular Genetics and Genomics, ARUP Laboratories
Classification: Uncertain significance for Very long chain acyl-CoA dehydrogenase deficiency. Last evaluated: 2018-09-21. Review status: criteria provided, single submitter. Criteria: ARUP Molecular Germline Variant Investigation Process. Collection method: clinical testing. Allele origin: germline.
Comment: The ACADVL c.1870G>C; p.Asp624His variant, to our knowledge, is not reported in the medical literature or in gene-specific databases. It is also absent from general population databases (1000 Genomes Project, Exome Variant Server, and Genome Aggregation Database), indicating it is not a common polymorphism. The aspartic acid at codon 624 is weakly conserved, and computational algorithms (PolyPhen-2, SIFT) predict that this variant is tolerated. However, due to the lack of clinical and functional data regarding this variant, its clinical significance cannot be determined with certainty.

NM_000018.4(ACADVL):c.1870G>C (p.Asp624His)

Gene: ACADVL (acyl-CoA dehydrogenase very long chain; plus strand). Cytogenetic location: 17p13.1.
Variant type: single nucleotide variant.
Coding change: c.1870G>C on transcript NM_000018.4 (MANE Select); coding-DNA position 1870, G replaced by C.
Protein change: p.Asp624His; replaces aspartic acid 624 with histidine.
Molecular consequence: missense variant.
Genome position (GRCh38, 1-based): chr17:7,224,999, G>C. VCF-style: chr17-7224999-G-C. GRCh37 (hg19) VCF-style: chr17-7128318-G-C.
Other names: c.1804G>C, p.Asp602His (NM_001033859.3); c.1939G>C, p.Asp647His (NM_001270447.2); c.1642G>C, p.Asp548His (NM_001270448.2); short protein forms D548H, D602H, D624H, D647H.
Identifiers: ClinVar variation 811151 (VCV000811151.13), dbSNP rs1597541044, ClinGen allele CA397726069.
Genomic context (GRCh38, chr17:7,224,999, plus strand): 5'-CTCCTTCCCTCTCCCCAGGCTGCAGCTCGGATCCGAGAGGGCATGGCCGCCCTGCAGTCT[G>C]ACCCCTGGCAGCAAGAGCTCTACCGCAACTTCAAAAGCATCTCCAAGGCCTTGGTGGAGC-3'
Protein context (NP_000009.1, residues 614-634): IREGMAALQS[Asp624His]PWQQELYRNF